The following is an entry in ClinVar:

NM_000257.4(MYH7):c.2424-1G>A

Genes: MYH7 (myosin heavy chain 7; minus strand), LOC126861898 (BRD4-independent group 4 enhancer GRCh37_chr14:23893609-23894808; plus strand). Cytogenetic location: 14q11.2.
Variant type: single nucleotide variant.
Coding change: c.2424-1G>A on transcript NM_000257.4 (MANE Select); the canonical splice acceptor site of the intron before coding-DNA position 2424, G replaced by A.
Molecular consequence: splice acceptor variant.
Genome position (GRCh38, 1-based): chr14:23,425,025, C>T on the plus strand (G>A on the coding strand, the complement: MYH7 is on the minus strand). VCF-style: chr14-23425025-C-T. GRCh37 (hg19) VCF-style: chr14-23894234-C-T.
Other names: c.2424-1G>A (NM_001407004.1).
Identifiers: ClinVar variation 3347839 (VCV003347839.1).

ClinVar aggregate classification (germline): Uncertain significance (0 of 4 stars; one submission).

Conditions:
MYH7-related disorder. Also called: MYH7-related condition; MYH7-related disease; MYH7-related disorders.

Submission:

PreventionGenetics, part of Exact Sciences
Classification: Uncertain significance for MYH7-related condition. Last evaluated: 2024-07-01. Review status: no assertion criteria provided. Collection method: clinical testing. Allele origin: germline.
Comment: The MYH7 c.2424-1G>A variant is predicted to disrupt the AG splice acceptor site and interfere with normal splicing. This variant is predicted to alter splicing based on available splicing prediction programs (SpliceAI, Jaganathan et al. 2019. PubMed ID: 30661751). To our knowledge, this variant has not been reported in the literature or in gnomAD, indicating this variant is rare. Although we suspect this variant may be pathogenic, at this time, the clinical significance of this variant is uncertain due to the absence of conclusive functional and genetic evidence.